The following is an entry in ClinVar:

ClinVar aggregate classification (germline): Uncertain significance (1 of 4 stars; one submission).

Conditions:
Kleefstra syndrome 1 (KLEFS1). Identifiers: Orphanet 261494, MedGen C0795833, MONDO:0027407, OMIM 610253.

Submission:

Laboratory of Genetics, Children's Clinical University Hospital Latvia
Classification: Uncertain significance for Kleefstra syndrome 1. Review status: criteria provided, single submitter. Criteria: ACMG Guidelines, 2015. Collection method: curation. Allele origin: germline. Affected: yes.
Comment: Inheritance unknown

Literature cited by the submitters: PubMed 39013458.

NM_024757.5(EHMT1):c.3600C>G (p.Asn1200Lys)

Gene: EHMT1 (euchromatic histone lysine methyltransferase 1; plus strand). Cytogenetic location: 9q34.3.
Variant type: single nucleotide variant.
Coding change: c.3600C>G on transcript NM_024757.5 (MANE Select); coding-DNA position 3600, C replaced by G.
Protein change: p.Asn1200Lys; replaces asparagine 1200 with lysine.
Molecular consequence: missense variant.
Genome position (GRCh38, 1-based): chr9:137,834,408, C>G. VCF-style: chr9-137834408-C-G. GRCh37 (hg19) VCF-style: chr9-140728860-C-G.
Other names: c.3579C>G, p.Asn1193Lys (NM_001354263.2); short protein forms N1193K, N1200K.
Identifiers: ClinVar variation 3236905 (VCV003236905.1).
Genomic context (GRCh38, chr9:137,834,408, plus strand): 5'-GGACGGGGAGGTTTACTGCATCGACGCGCGGTTCTACGGGAACGTCAGCCGGTTCATCAA[C>G]CACCACTGCGAGCCCAACCTGGTGCCCGTGCGCGTGTTCATGGCCCACCAGGACCTGCGG-3'
Protein context (NP_079033.4, residues 1190-1210): RFYGNVSRFI[Asn1200Lys]HHCEPNLVPV